The following is an entry in ClinVar:

NM_004006.3(DMD):c.7651dup (p.Thr2551fs)

Gene: DMD (dystrophin; minus strand). Cytogenetic location: Xp21.1.
Variant type: Duplication.
Coding change: c.7651dup on transcript NM_004006.3 (MANE Select); coding-DNA position 7651, one base duplicated (A; older notation c.7651dupA).
Protein change: p.Thr2551fs; shifts the reading frame from threonine 2551.
Molecular consequence: frameshift variant.
Genome position (GRCh38, 1-based): chrX:31,729,640, T duplicated on the plus strand (A on the coding strand, the reverse complement: DMD is on the minus strand). VCF-style (leftmost placement, unchanged base first): chrX-31729639-G-GT. GRCh37 (hg19) VCF-style: chrX-31747756-G-GT.
Other names: c.7627dup, p.Thr2543fs (NM_000109.4); c.7639dup, p.Thr2547fs (NM_004009.3); c.7282dup, p.Thr2428fs (NM_004010.3); c.3628dup, p.Thr1210fs (NM_004011.4); c.7651dup (NM_004006.2); c.3619dup, p.Thr1207fs (NM_004012.4); c.271dup, p.Thr91fs (NM_004013.3, NM_004020.4, NM_004021.3 and 2 more transcripts); short protein forms T1210fs, T2428fs, T2547fs, T2551fs, T91fs, T1207fs, T2543fs.
Identifiers: ClinVar variation 1414221 (VCV001414221.7), dbSNP rs2149017933, ClinGen allele CA2573158634.

ClinVar aggregate classification (germline): Pathogenic/Likely pathogenic. Review status: criteria provided, multiple submitters, no conflicts (2 of 4 stars). 2 submissions from 2 submitters: Pathogenic (1); Likely pathogenic (1). Last evaluated 2025-05-14.

Conditions:
Duchenne muscular dystrophy (DMD). Also called: MUSCULAR DYSTROPHY, PSEUDOHYPERTROPHIC PROGRESSIVE, DUCHENNE TYPE; Duchenne Muscular Dystrophy (DMD). Identifiers: Orphanet 98896, MedGen C0013264, MONDO:0010679, OMIM 310200.

Submissions (2):

Revvity Omics, Revvity
Classification: Likely pathogenic. Last evaluated: 2025-05-14. Review status: criteria provided, single submitter. Criteria: ACMG Guidelines, 2015. Collection method: clinical testing. Allele origin: germline.

Labcorp Genetics (formerly Invitae), Labcorp
Classification: Pathogenic for Duchenne muscular dystrophy. Last evaluated: 2021-08-12. Review status: criteria provided, single submitter. Criteria: Invitae Variant Classification Sherloc (09022015). Collection method: clinical testing. Allele origin: germline.
Comment: For these reasons, this variant has been classified as Pathogenic. This variant has not been reported in the literature in individuals affected with DMD-related conditions. This variant is not present in population databases (ExAC no frequency). This sequence change creates a premature translational stop signal (p.Thr2551Asnfs*5) in the DMD gene. It is expected to result in an absent or disrupted protein product. Loss-of-function variants in DMD are known to be pathogenic (PMID: 16770791, 25007885).

Literature cited by the submitters: PubMed 16770791 (cited by Labcorp Genetics (formerly Invitae), Labcorp); PubMed 25007885 (cited by Labcorp Genetics (formerly Invitae), Labcorp).